The following is an entry in ClinVar:

ClinVar aggregate classification (germline): Uncertain significance (1 of 4 stars; one submission).

Submission:

Labcorp Genetics (formerly Invitae), Labcorp
Classification: Uncertain significance. Last evaluated: 2024-10-24. Review status: criteria provided, single submitter. Criteria: Invitae Variant Classification Sherloc (09022015). Collection method: clinical testing. Allele origin: germline.
Comment: This sequence change replaces valine, which is neutral and non-polar, with leucine, which is neutral and non-polar, at codon 193 of the PDE3A protein (p.Val193Leu). This variant is not present in population databases (gnomAD no frequency). This variant has not been reported in the literature in individuals affected with PDE3A-related conditions. This missense change has been observed in at least one individual who was not affected with PDE3A-related conditions (internal data). ClinVar contains an entry for this variant (Variation ID: 2093908). An algorithm developed to predict the effect of missense changes on protein structure and function (PolyPhen-2) suggests that this variant is likely to be tolerated. In summary, the available evidence is currently insufficient to determine the role of this variant in disease. Therefore, it has been classified as a Variant of Uncertain Significance.

NM_000921.5(PDE3A):c.577G>C (p.Val193Leu)

Genes: PDE3A (phosphodiesterase 3A; plus strand), PDE3A-AS1 (PDE3A antisense RNA 1; minus strand), LOC124625920 (Sharpr-MPRA regulatory region 8059; plus strand). Cytogenetic location: 12p12.2.
Variant type: single nucleotide variant.
Coding change: c.577G>C on transcript NM_000921.5 (MANE Select); coding-DNA position 577, G replaced by C.
Protein change: p.Val193Leu; replaces valine 193 with leucine.
Molecular consequence: missense variant. On other transcripts: 5 prime UTR variant (1).
Genome position (GRCh38, 1-based): chr12:20,369,861, G>C. VCF-style: chr12-20369861-G-C. GRCh37 (hg19) VCF-style: chr12-20522795-G-C.
Other names: c.577G>C, p.Val193Leu (NM_001378407.1); c.-452G>C (NM_001378408.1); short protein forms V193L.
Identifiers: ClinVar variation 2093908 (VCV002093908.4), dbSNP rs760427474, ClinGen allele CA384294469.